The following is an entry in ClinVar:

ClinVar aggregate classification (germline): Benign. Review status: criteria provided, multiple submitters, no conflicts (2 of 4 stars). 2 submissions from 2 submitters: Benign (2). Last evaluated 2018-01-13.

Conditions:
Hereditary spastic paraplegia 30. Identifiers: Orphanet 101010, MedGen C5235139, MONDO:0012476.

Allele frequency attached by ClinVar (database versions not stated): 1000 Genomes Project 30x 0.38523; 1000 Genomes Project 0.38878; TOPMed 0.49012; gnomAD 0.50429 and 0.50788; gnomAD exomes 0.62500.
gnomAD v4.1: 76,896 of 152,162 alleles (51%); highest among the groups gnomAD compares: Middle Eastern, 69%; 21,613 homozygotes.

Submissions (2):

Illumina Laboratory Services, Illumina
Classification: Benign for Spastic paraplegia 30A, autosomal dominant. Last evaluated: 2018-01-13. Review status: criteria provided, single submitter. Criteria: ICSL Variant Classification Criteria 13 December 2019. Collection method: clinical testing. Allele origin: germline.
Comment: This variant was observed in the ICSL laboratory as part of a predisposition screen in an ostensibly healthy population. It had not been previously curated by ICSL or reported in the Human Gene Mutation Database (HGMD: prior to June 1st, 2018), and was therefore a candidate for classification through an automated scoring system. Utilizing variant allele frequency, disease prevalence and penetrance estimates, and inheritance mode, an automated score was calculated to assess if this variant is too frequent to cause the disease. Based on the score and internal cut-off values, a variant classified as benign is not then subjected to further curation. The score for this variant resulted in a classification of benign for this disease.

Breakthrough Genomics
Classification: Benign. Review status: criteria provided, single submitter. Criteria: ACMG Guidelines, 2015. Collection method: not provided. Allele origin: germline. Inheritance: Autosomal recessive inheritance. Affected: yes.

NM_001244008.2(KIF1A):c.*1823C>T

Gene: KIF1A (kinesin family member 1A; minus strand). Cytogenetic location: 2q37.3.
Variant type: single nucleotide variant.
Coding change: c.*1823C>T on transcript NM_001244008.2 (MANE Select); 1823 bases downstream of the stop codon, C replaced by T.
Molecular consequence: 3 prime UTR variant.
Genome position (GRCh38, 1-based): chr2:240,715,541, G>A on the plus strand (C>T on the coding strand, the complement: KIF1A is on the minus strand). VCF-style: chr2-240715541-G-A. GRCh37 (hg19) VCF-style: chr2-241654958-G-A.
Other names: c.*1823C>T (NM_001320705.2, NM_001330289.2, NM_001330290.2 and 20 more transcripts).
Identifiers: ClinVar variation 335233 (VCV000335233.6), dbSNP rs7566538, ClinGen allele CA10613296.